The following is an entry in ClinVar:

NM_018489.3(ASH1L):c.8679A>T (p.Lys2893Asn)

Gene: ASH1L (ASH1 like histone lysine methyltransferase; minus strand). Cytogenetic location: 1q22.
Variant type: single nucleotide variant.
Coding change: c.8679A>T on transcript NM_018489.3 (MANE Select); coding-DNA position 8679, A replaced by T.
Protein change: p.Lys2893Asn; replaces lysine 2893 with asparagine.
Molecular consequence: missense variant.
Genome position (GRCh38, 1-based): chr1:155,338,213, T>A on the plus strand (A>T on the coding strand, the complement: ASH1L is on the minus strand). VCF-style: chr1-155338213-T-A. GRCh37 (hg19) VCF-style: chr1-155308004-T-A.
Other names: c.8694A>T, p.Lys2898Asn (NM_001366177.2); short protein forms K2893N, K2898N.
Identifiers: ClinVar variation 1317002 (VCV001317002.2), dbSNP rs1221514832, ClinGen allele CA342718664.

ClinVar aggregate classification (germline): Uncertain significance (1 of 4 stars; one submission).

Submission:

GeneDx
Classification: Uncertain significance. Last evaluated: 2019-08-06. Review status: criteria provided, single submitter. Criteria: GeneDx Variant Classification Process June 2021. Collection method: clinical testing. Allele origin: germline. Affected: yes.
Comment: Not observed in large population cohorts (Lek et al., 2016); In silico analysis, which includes protein predictors and evolutionary conservation, supports that this variant does not alter protein structure/function; Has not been previously published as pathogenic or benign to our knowledge